The following is an entry in ClinVar:

NM_001035.3(RYR2):c.12579C>T (p.Cys4193=)

Genes: RYR2 (ryanodine receptor 2; plus strand), LOC126806068 (BRD4-independent group 4 enhancer GRCh37_chr1:237947411-237948610; plus strand). Cytogenetic location: 1q43.
Variant type: single nucleotide variant.
Coding change: c.12579C>T on transcript NM_001035.3 (MANE Select); coding-DNA position 12579, C replaced by T.
Protein change: p.Cys4193=; no amino-acid change (cysteine 4193 retained).
Molecular consequence: synonymous variant.
Genome position (GRCh38, 1-based): chr1:237,784,291, C>T. VCF-style: chr1-237784291-C-T. GRCh37 (hg19) VCF-style: chr1-237947591-C-T.
Other names: c.12579C>T, p.Cys4193= (LRG_402t1).
Identifiers: ClinVar variation 463559 (VCV000463559.20), dbSNP rs369532267, ClinGen allele CA085199.
Genomic context (GRCh38, chr1:237,784,291, plus strand): 5'-ATTTGACGTGGTCAACGAAGGCGGAGAGAAAGAGAAGATGGAACTCTTTGTGAACTTCTG[C>T]GAGGACACCATCTTTGAAATGCAGCTGGCGGCTCAGATCTCGGAGTCGGACTTGAACGAG-3'
Protein context (NP_001026.2, residues 4183-4203): KEKMELFVNF[Cys4193=]EDTIFEMQLA

ClinVar aggregate classification (germline): Likely benign. Review status: criteria provided, multiple submitters, no conflicts (2 of 4 stars). 6 submissions from 6 submitters: Likely benign (6). Last evaluated 2026-02-01.

Conditions:
Cardiovascular phenotype. Identifiers: MedGen CN230736.
Catecholaminergic polymorphic ventricular tachycardia (CVPT). Also called: Catecholamine-induced polymorphic ventricular tachycardia. Identifiers: Orphanet 3286, MedGen C5574922, MONDO:0017990.
Catecholaminergic polymorphic ventricular tachycardia 1. Also called: VENTRICULAR TACHYCARDIA, CATECHOLAMINERGIC POLYMORPHIC, 1, WITH OR WITHOUT ATRIAL DYSFUNCTION AND/OR DILATED CARDIOMYOPATHY; RYR2-Related Catecholaminergic Polymorphic Ventricular Tachycardia; VENTRICULAR TACHYCARDIA, STRESS-INDUCED POLYMORPHIC 1. Identifiers: Orphanet 3286, MedGen C1631597, MONDO:0011484, OMIM 604772.
Cardiomyopathy (CMYO). Also called: Cardiomyopathies. Identifiers: Orphanet 167848, MedGen C0878544, MONDO:0004994, HP:0001638. Inheritance: Various modes of inheritance.

Allele frequency attached by ClinVar (database versions not stated): gnomAD exomes 0.00001 and 0.00002; ExAC 0.00002; gnomAD 0.00002; TOPMed 0.00003; ESP Exome Variant Server 0.00008.
gnomAD v4.1: 21 of 1,613,626 alleles (0.0013%); highest among the groups gnomAD compares: African/African-American, 0.0027%; no homozygotes.

Submissions (6):

Labcorp Genetics (formerly Invitae), Labcorp
Classification: Likely benign for Catecholaminergic polymorphic ventricular tachycardia 1. Last evaluated: 2026-02-01. Review status: criteria provided, single submitter. Criteria: Invitae Variant Classification Sherloc (09022015). Collection method: clinical testing. Allele origin: germline.

Blueprint Genetics
Classification: Likely benign. Last evaluated: 2024-03-01. Review status: criteria provided, single submitter. Criteria: ACMG Guidelines, 2015. Collection method: clinical testing. Allele origin: germline.

Women's Health and Genetics/Laboratory Corporation of America, LabCorp
Classification: Likely benign. Last evaluated: 2024-01-01. Review status: criteria provided, single submitter. Criteria: LabCorp Variant Classification Summary - May 2015. Collection method: clinical testing. Allele origin: germline.

All of Us Research Program, National Institutes of Health
Classification: Likely benign for Catecholaminergic polymorphic ventricular tachycardia. Last evaluated: 2023-11-30. Review status: criteria provided, single submitter. Criteria: ACMG Guidelines, 2015. Collection method: clinical testing. Allele origin: germline. Inheritance: Autosomal dominant inheritance. Observed: 6 variant alleles, 6 heterozygotes.
Comment: This study involves interpretation of variants in research participants for the purpose of population health screening. Participant phenotype was not available at the time of variant classification. Additional details can be found in publication PMID: 35346344, PMCID: PMC8962531

Ambry Genetics
Classification: Likely benign for Cardiovascular phenotype. Last evaluated: 2021-09-16. Review status: criteria provided, single submitter. Criteria: Ambry Variant Classification Scheme 2023. Collection method: clinical testing. Allele origin: germline.

Color Diagnostics, LLC DBA Color Health
Classification: Likely benign for Cardiomyopathy. Last evaluated: 2018-11-25. Review status: criteria provided, single submitter. Criteria: ACMG Guidelines, 2015. Collection method: clinical testing. Allele origin: germline.